The following is an entry in ClinVar:

NM_012469.4(PRPF6):c.-75G>A

Gene: PRPF6 (pre-mRNA processing factor 6; plus strand). Cytogenetic location: 20q13.33.
Variant type: single nucleotide variant.
Coding change: c.-75G>A on transcript NM_012469.4 (MANE Select); 75 bases upstream of the start codon, G replaced by A.
Molecular consequence: 5 prime UTR variant.
Genome position (GRCh38, 1-based): chr20:63,981,171, G>A. VCF-style: chr20-63981171-G-A. GRCh37 (hg19) VCF-style: chr20-62612524-G-A.
Identifiers: ClinVar variation 339458 (VCV000339458.5), dbSNP rs180973296, ClinGen allele CA10652814.

ClinVar aggregate classification (germline): Benign (1 of 4 stars; one submission).

Conditions:
Retinitis pigmentosa (RP). Identifiers: Orphanet 791, MedGen C0035334, MeSH D012174, MONDO:0019200, OMIM 268000. Inheritance: Autosomal dominant, autosomal recessive and X linked inheritance.

Allele frequency attached by ClinVar (database versions not stated): gnomAD exomes 0.00054; 1000 Genomes Project 0.00519; 1000 Genomes Project 30x 0.00547; gnomAD 0.00586; TOPMed 0.00632.
gnomAD v4.1: 1,581 of 1,473,730 alleles (0.11%); highest among the groups gnomAD compares: African/African-American, 2%; 16 homozygotes.

Submission:

Illumina Laboratory Services, Illumina
Classification: Benign for Retinitis pigmentosa. Last evaluated: 2018-01-13. Review status: criteria provided, single submitter. Criteria: ICSL Variant Classification Criteria 13 December 2019. Collection method: clinical testing. Allele origin: germline.
Comment: This variant was observed in the ICSL laboratory as part of a predisposition screen in an ostensibly healthy population. It had not been previously curated by ICSL or reported in the Human Gene Mutation Database (HGMD: prior to June 1st, 2018), and was therefore a candidate for classification through an automated scoring system. Utilizing variant allele frequency, disease prevalence and penetrance estimates, and inheritance mode, an automated score was calculated to assess if this variant is too frequent to cause the disease. Based on the score and internal cut-off values, a variant classified as benign is not then subjected to further curation. The score for this variant resulted in a classification of benign for this disease.